The following is an entry in ClinVar:

ClinVar aggregate classification (germline): Benign (1 of 4 stars; one submission).

Conditions:
Neonatal diabetes mellitus with congenital hypothyroidism. Also called: NDH SYNDROME. Identifiers: Orphanet 79118, MedGen C1857775, MONDO:0012436, OMIM 610199.

Allele frequency attached by ClinVar (database versions not stated): gnomAD 0.00063 and 0.00100; TOPMed 0.00101; 1000 Genomes Project 0.00559; 1000 Genomes Project 30x 0.00578.

Submission:

Illumina Laboratory Services, Illumina
Classification: Benign for Neonatal diabetes mellitus with congenital hypothyroidism. Last evaluated: 2018-01-12. Review status: criteria provided, single submitter. Criteria: ICSL Variant Classification Criteria 13 December 2019. Collection method: clinical testing. Allele origin: germline.
Comment: This variant was observed in the ICSL laboratory as part of a predisposition screen in an ostensibly healthy population. It had not been previously curated by ICSL or reported in the Human Gene Mutation Database (HGMD: prior to June 1st, 2018), and was therefore a candidate for classification through an automated scoring system. Utilizing variant allele frequency, disease prevalence and penetrance estimates, and inheritance mode, an automated score was calculated to assess if this variant is too frequent to cause the disease. Based on the score and internal cut-off values, a variant classified as benign is not then subjected to further curation. The score for this variant resulted in a classification of benign for this disease.

NM_001042413.2(GLIS3):c.*2326C>T

Gene: GLIS3 (GLIS family zinc finger 3; minus strand). Cytogenetic location: 9p24.2.
Variant type: single nucleotide variant.
Coding change: c.*2326C>T on transcript NM_001042413.2 (MANE Select); 2326 bases downstream of the stop codon, C replaced by T.
Molecular consequence: 3 prime UTR variant.
Genome position (GRCh38, 1-based): chr9:3,825,946, G>A on the plus strand (C>T on the coding strand, the complement: GLIS3 is on the minus strand). VCF-style: chr9-3825946-G-A. GRCh37 (hg19) VCF-style: chr9-3825946-G-A.
Other names: c.*2326C>T (NM_152629.4).
Identifiers: ClinVar variation 366918 (VCV000366918.5), dbSNP rs3739619, ClinGen allele CA10634079.